The following is an entry in ClinVar:

NM_004444.5(EPHB4):c.2767A>G (p.Arg923Gly)

Gene: EPHB4 (EPH receptor B4; minus strand). Cytogenetic location: 7q22.1.
Variant type: single nucleotide variant.
Coding change: c.2767A>G on transcript NM_004444.5 (MANE Select); coding-DNA position 2767, A replaced by G.
Protein change: p.Arg923Gly; replaces arginine 923 with glycine.
Molecular consequence: missense variant.
Genome position (GRCh38, 1-based): chr7:100,805,233, T>C on the plus strand (A>G on the coding strand, the complement: EPHB4 is on the minus strand). VCF-style: chr7-100805233-T-C. GRCh37 (hg19) VCF-style: chr7-100402855-T-C.
Other names: short protein forms R923G.
Identifiers: ClinVar variation 1505491 (VCV001505491.8), dbSNP rs753634998, ClinGen allele CA4392531.

ClinVar aggregate classification (germline): Conflicting classifications of pathogenicity. Review status: criteria provided, conflicting classifications (1 of 4 stars). 2 submissions from 2 submitters: Uncertain significance (1); Likely benign (1). Last evaluated 2023-12-10.

Conditions:
Cardiovascular phenotype. Identifiers: MedGen CN230736.

Allele frequency attached by ClinVar (database versions not stated): gnomAD exomes 0.00001 and 0.00002; ExAC 0.00002; TOPMed 0.00002.
gnomAD v4.1: 15 of 1,613,574 alleles (0.00093%); highest among the groups gnomAD compares: Admixed American, 0.0033%; no homozygotes.

Submissions (2):

Labcorp Genetics (formerly Invitae), Labcorp
Classification: Uncertain significance. Last evaluated: 2023-12-10. Review status: criteria provided, single submitter. Criteria: Invitae Variant Classification Sherloc (09022015). Collection method: clinical testing. Allele origin: germline.
Comment: This sequence change replaces arginine, which is basic and polar, with glycine, which is neutral and non-polar, at codon 923 of the EPHB4 protein (p.Arg923Gly). This variant is present in population databases (rs753634998, gnomAD 0.006%). This variant has not been reported in the literature in individuals affected with EPHB4-related conditions. ClinVar contains an entry for this variant (Variation ID: 1505491). Advanced modeling of protein sequence and biophysical properties (such as structural, functional, and spatial information, amino acid conservation, physicochemical variation, residue mobility, and thermodynamic stability) performed at Invitae indicates that this missense variant is expected to disrupt EPHB4 protein function with a positive predictive value of 80%. In summary, the available evidence is currently insufficient to determine the role of this variant in disease. Therefore, it has been classified as a Variant of Uncertain Significance.

Ambry Genetics
Classification: Likely benign for Cardiovascular phenotype. Last evaluated: 2022-10-02. Review status: criteria provided, single submitter. Criteria: Ambry Variant Classification Scheme 2023. Collection method: clinical testing. Allele origin: germline.